The following is an entry in ClinVar:

NM_000138.5(FBN1):c.6686A>G (p.Glu2229Gly)

Gene: FBN1 (fibrillin 1; minus strand). Cytogenetic location: 15q21.1.
Variant type: single nucleotide variant.
Coding change: c.6686A>G on transcript NM_000138.5 (MANE Select); coding-DNA position 6686, A replaced by G.
Protein change: p.Glu2229Gly; replaces glutamic acid 2229 with glycine.
Molecular consequence: missense variant.
Genome position (GRCh38, 1-based): chr15:48,432,919, T>C on the plus strand (A>G on the coding strand, the complement: FBN1 is on the minus strand). VCF-style: chr15-48432919-T-C. GRCh37 (hg19) VCF-style: chr15-48725116-T-C.
Other names: c.6686A>G, p.Glu2229Gly (NM_001406716.1); short protein forms E2229G.
Identifiers: ClinVar variation 2773326 (VCV002773326.2), dbSNP rs758803290, ClinGen allele CA057220.

ClinVar aggregate classification (germline): Uncertain significance (1 of 4 stars; one submission).

Conditions:
Familial thoracic aortic aneurysm and aortic dissection (TAAD). Also called: Thoracic aortic aneurysms and dissections. Identifiers: Orphanet 91387, MedGen C4707243, MONDO:0019625.

Allele frequency attached by ClinVar (database versions not stated): gnomAD exomes below 0.00001; ExAC 0.00001.

Submission:

Color Diagnostics, LLC DBA Color Health
Classification: Uncertain significance for Familial thoracic aortic aneurysm and aortic dissection. Last evaluated: 2023-03-20. Review status: criteria provided, single submitter. Criteria: ACMG Guidelines, 2015. Collection method: clinical testing. Allele origin: germline.
Comment: This missense variant replaces glutamic acid with glycine at codon 2229 of the FBN1 protein. Computational prediction suggests that this variant may have deleterious impact on protein structure and function (internally defined REVEL score threshold >= 0.7, PMID: 27666373). To our knowledge, functional studies have not been reported for this variant. This variant has not been reported in individuals affected with FBN1-related disorders in the literature. This variant has been identified in 1/251026 chromosomes in the general population by the Genome Aggregation Database (gnomAD). The available evidence is insufficient to determine the role of this variant in disease conclusively. Therefore, this variant is classified as a Variant of Uncertain Significance.